The following is an entry in ClinVar:

ClinVar aggregate classification (germline): Uncertain significance (1 of 4 stars; one submission).

Conditions:
3-hydroxy-3-methylglutaryl-CoA synthase deficiency (HMGCS2D). Also called: MITOCHONDRIAL HMG-CoA SYNTHASE DEFICIENCY; HMG-CoA synthase-2 deficiency; HMGCS2 DEFICIENCY. Identifiers: Orphanet 35701, MedGen C2751532, MONDO:0011614, OMIM 605911.

Allele frequency attached by ClinVar (database versions not stated): gnomAD exomes 0.00001 and 0.00003; TOPMed 0.00002; gnomAD 0.00003.
gnomAD v4.1: 45 of 1,609,890 alleles (0.0028%); highest among the groups gnomAD compares: Middle Eastern, 0.016%; no homozygotes.

Submission:

Labcorp Genetics (formerly Invitae), Labcorp
Classification: Uncertain significance for 3-hydroxy-3-methylglutaryl-CoA synthase deficiency. Last evaluated: 2022-11-01. Review status: criteria provided, single submitter. Criteria: Invitae Variant Classification Sherloc (09022015). Collection method: clinical testing. Allele origin: germline.
Comment: This sequence change falls in intron 1 of the HMGCS2 gene. It does not directly change the encoded amino acid sequence of the HMGCS2 protein. It affects a nucleotide within the consensus splice site. This variant is present in population databases (no rsID available, gnomAD 0.003%). This variant has not been reported in the literature in individuals affected with HMGCS2-related conditions. ClinVar contains an entry for this variant (Variation ID: 1489619). Variants that disrupt the consensus splice site are a relatively common cause of aberrant splicing (PMID: 17576681, 9536098). Algorithms developed to predict the effect of sequence changes on RNA splicing suggest that this variant is not likely to affect RNA splicing. In summary, the available evidence is currently insufficient to determine the role of this variant in disease. Therefore, it has been classified as a Variant of Uncertain Significance.

Literature cited by the submitters: PubMed 17576681; PubMed 9536098.

NM_005518.4(HMGCS2):c.105-3C>T

Gene: HMGCS2 (3-hydroxy-3-methylglutaryl-CoA synthase 2; minus strand). Cytogenetic location: 1p12.
Variant type: single nucleotide variant.
Coding change: c.105-3C>T on transcript NM_005518.4 (MANE Select); 3 bases into the intron before coding-DNA position 105, C replaced by T.
Molecular consequence: intron variant.
Genome position (GRCh38, 1-based): chr1:119,764,629, G>A on the plus strand (C>T on the coding strand, the complement: HMGCS2 is on the minus strand). VCF-style: chr1-119764629-G-A. GRCh37 (hg19) VCF-style: chr1-120307252-G-A.
Other names: c.105-3C>T (NM_001166107.1).
Identifiers: ClinVar variation 1489619 (VCV001489619.6), dbSNP rs1035647830, ClinGen allele CA30275385.